The following is an entry in ClinVar:

ClinVar aggregate classification (germline): Pathogenic/Likely pathogenic. Review status: criteria provided, multiple submitters, no conflicts (2 of 4 stars). 3 submissions from 3 submitters: Pathogenic (2); Likely pathogenic (1). Last evaluated 2023-05-30.

Conditions:
Fanconi anemia complementation group J. Also called: BRIP1-Related Fanconi Anemia. Identifiers: Orphanet 84, MedGen C1836860, MONDO:0012187, OMIM 609054.
Familial cancer of breast. Also called: Hereditary breast cancer; hereditary breast carcinoma; BREAST CANCER, FAMILIAL. Identifiers: Orphanet 227535, MedGen C0346153, MONDO:0016419, OMIM 114480. Disease mechanism: loss of function.

Submissions (3):

Myriad Genetics, Inc.
Classification: Pathogenic for Familial cancer of breast. Last evaluated: 2023-05-30. Review status: criteria provided, single submitter. Criteria: Myriad Autosomal Dominant, Autosomal Recessive and X-Linked Classification Criteria (2023). Collection method: clinical testing. Allele origin: unknown.
Comment: This variant is considered pathogenic. This variant creates a frameshift predicted to result in premature protein truncation.

Labcorp Genetics (formerly Invitae), Labcorp
Classification: Pathogenic for Familial cancer of breast; Fanconi anemia complementation group J. Last evaluated: 2022-10-13. Review status: criteria provided, single submitter. Criteria: Invitae Variant Classification Sherloc (09022015). Collection method: clinical testing. Allele origin: germline.
Comment: For these reasons, this variant has been classified as Pathogenic. ClinVar contains an entry for this variant (Variation ID: 1069454). This variant has not been reported in the literature in individuals affected with BRIP1-related conditions. This variant is not present in population databases (gnomAD no frequency). This sequence change creates a premature translational stop signal (p.Gln25Thrfs*44) in the BRIP1 gene. It is expected to result in an absent or disrupted protein product. Loss-of-function variants in BRIP1 are known to be pathogenic (PMID: 16116423, 17033622, 21964575).

Juno Genomics, Hangzhou Juno Genomics, Inc
Classification: Likely pathogenic for Familial cancer of breast; Fanconi anemia complementation group J. Review status: criteria provided, single submitter. Criteria: ACMG Guidelines, 2015. Collection method: clinical testing. Allele origin: germline.
Comment: Null variant in a gene where loss of function (LOF) is a known mechanism of disease.;Absent from controls (or at extremely low frequency if recessive) in Genome Aggregation Database.

Literature cited by the submitters: PubMed 16116423 (cited by Labcorp Genetics (formerly Invitae), Labcorp); PubMed 17033622 (cited by Labcorp Genetics (formerly Invitae), Labcorp); PubMed 21964575 (cited by Labcorp Genetics (formerly Invitae), Labcorp).

NM_032043.3(BRIP1):c.71dup (p.Gln25fs)

Gene: BRIP1 (BRCA1 interacting DNA helicase 1; minus strand). Cytogenetic location: 17q23.2.
Variant type: Duplication.
Coding change: c.71dup on transcript NM_032043.3 (MANE Select); coding-DNA position 71, one base duplicated (C; older notation c.71dupC).
Protein change: p.Gln25fs; shifts the reading frame from glutamine 25.
Molecular consequence: frameshift variant.
Genome position (GRCh38, 1-based): chr17:61,861,469, G duplicated on the plus strand (C on the coding strand, the reverse complement: BRIP1 is on the minus strand). VCF-style (leftmost placement, unchanged base first): chr17-61861468-T-TG. GRCh37 (hg19) VCF-style: chr17-59938829-T-TG.
Other names: short protein forms Q25fs.
Identifiers: ClinVar variation 1069454 (VCV001069454.11), dbSNP rs2145864140, ClinGen allele CA2499224823.
Genomic context (GRCh38, chr17:61,861,468, plus strand): 5'-TATATCTTAATAAAAACTTAACTGCTGAAAAATACTTACAGAATTCATCATAGCAAGCTG[T>TG]GACGGGTAAGCTTTATAAGGAAAGTAAATCTTCACCCCACCAATTGTATATTCAGACCAC-3'